The following is an entry in ClinVar:

ClinVar aggregate classification (germline): Uncertain significance (1 of 4 stars; one submission).

Allele frequency attached by ClinVar (database versions not stated): gnomAD exomes below 0.00001.
gnomAD v4.1: 6 of 1,610,364 alleles (0.00037%); highest among the groups gnomAD compares: Middle Eastern, 0.017%; no homozygotes.

Submission:

Labcorp Genetics (formerly Invitae), Labcorp
Classification: Uncertain significance. Last evaluated: 2021-12-02. Review status: criteria provided, single submitter. Criteria: Invitae Variant Classification Sherloc (09022015). Collection method: clinical testing. Allele origin: germline.
Comment: This sequence change replaces alanine, which is neutral and non-polar, with serine, which is neutral and polar, at codon 577 of the ASXL2 protein (p.Ala577Ser). This variant is present in population databases (no rsID available, gnomAD 0.0009%). In summary, the available evidence is currently insufficient to determine the role of this variant in disease. Therefore, it has been classified as a Variant of Uncertain Significance. Algorithms developed to predict the effect of missense changes on protein structure and function output the following: SIFT: "Tolerated"; PolyPhen-2: "Not Available"; Align-GVGD: "Class C0". The serine amino acid residue is found in multiple mammalian species, which suggests that this missense change does not adversely affect protein function. This variant has not been reported in the literature in individuals affected with ASXL2-related conditions.

NM_018263.6(ASXL2):c.1729G>T (p.Ala577Ser)

Gene: ASXL2 (ASXL transcriptional regulator 2; minus strand). Cytogenetic location: 2p23.3.
Variant type: single nucleotide variant.
Coding change: c.1729G>T on transcript NM_018263.6 (MANE Select); coding-DNA position 1729, G replaced by T.
Protein change: p.Ala577Ser; replaces alanine 577 with serine.
Molecular consequence: missense variant.
Genome position (GRCh38, 1-based): chr2:25,749,827, C>A on the plus strand (G>T on the coding strand, the complement: ASXL2 is on the minus strand). VCF-style: chr2-25749827-C-A. GRCh37 (hg19) VCF-style: chr2-25972696-C-A.
Other names: c.1555G>T, p.Ala519Ser (NM_001369346.1); c.949G>T, p.Ala317Ser (NM_001369347.1); short protein forms A519S, A577S, A317S.
Identifiers: ClinVar variation 1482574 (VCV001482574.8), dbSNP rs986611894, ClinGen allele CA43704233.
Genomic context (GRCh38, chr2:25,749,827, plus strand): 5'-ATGGCTGCTGGTGCTGGCGATTCTCAGTGACACGTGGCCTCTTCTCCCAGCTCACAGGGG[C>A]CTCTTCTTGGGTGAGGGAAGACTTCCTCTTGAGGCTTTCTGGGCTCTGATCAACAAGAGT-3'
Protein context (NP_060733.4, residues 567-587): KRKSSLTQEE[Ala577Ser]PVSWEKRPRV